The following is an entry in ClinVar:

NM_007294.4(BRCA1):c.2314G>T (p.Val772Leu)

Gene: BRCA1 (BRCA1 DNA repair associated; minus strand). Cytogenetic location: 17q21.31.
Variant type: single nucleotide variant.
Coding change: c.2314G>T on transcript NM_007294.4 (MANE Select); coding-DNA position 2314, G replaced by T.
Protein change: p.Val772Leu; replaces valine 772 with leucine.
Molecular consequence: missense variant. On other transcripts: intron variant (137).
Genome position (GRCh38, 1-based): chr17:43,093,217, C>A on the plus strand (G>T on the coding strand, the complement: BRCA1 is on the minus strand). VCF-style: chr17-43093217-C-A. GRCh37 (hg19) VCF-style: chr17-41245234-C-A.
Other names: c.2050G>T, p.Val684Leu (NM_001407920.1, NM_001407921.1, NM_001407922.1 and 9 more transcripts); c.2191G>T, p.Val731Leu (NM_001407938.1, NM_001407939.1, NM_001407674.1 and 19 more transcripts); c.2188G>T, p.Val730Leu (NM_001407940.1, NM_001407941.1, NM_001407673.1 and 11 more transcripts); c.2173G>T, p.Val725Leu (NM_001407942.1, NM_001407944.1, NM_001407945.1 and 29 more transcripts); c.2170G>T, p.Val724Leu (NM_001407943.1, NM_001407964.1, NM_001407740.1 and 20 more transcripts); c.1981G>T, p.Val661Leu (NM_001407946.1, NM_001407947.1, NM_001407957.1 and 6 more transcripts); c.1978G>T, p.Val660Leu (NM_001407958.1, NM_001407954.1, NM_001407955.1 and 1 more transcripts); c.1933G>T, p.Val645Leu (NM_001407959.1, NM_001407960.1, NM_001407963.1); and 41 more; short protein forms V725L, V772L, V746L, V769L, V644L, V660L, V730L, V731L.
Identifiers: ClinVar variation 972567 (VCV000972567.14), dbSNP rs1567796129, ClinGen allele CA10597373.
Genomic context (GRCh38, chr17:43,093,217, plus strand): 5'-CTAGAGTGCTAACTTCCAGTAACGAGATACTTTCCTGAGTGCCATAATCAGTACCAGGTA[C>A]CAATGAAATACTGCTACTCTCTACAGATCTTTCAGTTTGCAAAACCCTTTCTCCACTTAA-3'
Protein context (NP_009225.1, residues 762-782): RSVESSSISL[Val772Leu]PGTDYGTQES

ClinVar aggregate classification (germline): Conflicting classifications of pathogenicity. Review status: criteria provided, conflicting classifications (1 of 4 stars). 3 submissions from 3 submitters: Uncertain significance (2); Likely benign (1). Last evaluated 2026-04-09.

Conditions:
Hereditary cancer-predisposing syndrome. Also called: Hereditary Cancer Syndrome; Neoplastic Syndromes, Hereditary; Tumor predisposition; Hereditary neoplastic syndrome. Identifiers: Orphanet 140162, MedGen C0027672, MeSH D009386, MONDO:0015356.
Hereditary breast ovarian cancer syndrome. Also called: Hereditary breast and ovarian cancer syndrome (HBOC); Hereditary breast and/or ovarian cancer syndrome; BRCA1- and BRCA2-Associated Hereditary Breast and Ovarian Cancer; Hereditary breast and ovarian cancer; Breast and ovarian cancer; Hereditary breast and ovarian cancer syndrome. Identifiers: Orphanet 145, MedGen C0677776, MeSH D061325, MONDO:0003582. Disease mechanism: loss of function.

Submissions (3):

Ambry Genetics
Classification: Uncertain significance for Hereditary cancer-predisposing syndrome. Last evaluated: 2026-04-09. Review status: criteria provided, single submitter. Criteria: Ambry Variant Classification Scheme 2023. Collection method: clinical testing. Allele origin: germline.
Comment: The p.V772L variant (also known as c.2314G>T), located in coding exon 9 of the BRCA1 gene, results from a G to T substitution at nucleotide position 2314. The valine at codon 772 is replaced by leucine, an amino acid with highly similar properties. This amino acid position is conserved. In addition, the in silico prediction for this alteration is inconclusive. Based on the available evidence, the clinical significance of this variant remains unclear.

University of Washington Department of Laboratory Medicine, University of Washington
Classification: Likely benign for Hereditary cancer-predisposing syndrome. Last evaluated: 2023-03-23. Review status: criteria provided, single submitter. Criteria: Dines et al. (Genet Med. 2020). Collection method: curation. Allele origin: germline.
Comment: Missense variant in a coldspot region where missense variants are very unlikely to be pathogenic (PMID:31911673).

BRCA1 coldspot (exon 11 using historical exon numbering). Reclassification based on statistical prior probability

Labcorp Genetics (formerly Invitae), Labcorp
Classification: Uncertain significance for Hereditary breast ovarian cancer syndrome. Last evaluated: 2021-08-04. Review status: criteria provided, single submitter. Criteria: Invitae Variant Classification Sherloc (09022015). Collection method: clinical testing. Allele origin: germline.
Comment: In summary, the available evidence is currently insufficient to determine the role of this variant in disease. Therefore, it has been classified as a Variant of Uncertain Significance. Algorithms developed to predict the effect of missense changes on protein structure and function (SIFT, PolyPhen-2, Align-GVGD) all suggest that this variant is likely to be tolerated, but these predictions have not been confirmed by published functional studies and their clinical significance is uncertain. This sequence change replaces valine with leucine at codon 772 of the BRCA1 protein (p.Val772Leu). The valine residue is moderately conserved and there is a small physicochemical difference between valine and leucine. This variant is not present in population databases (ExAC no frequency). This variant has not been reported in the literature in individuals with BRCA1-related conditions.